The following is an entry in ClinVar:

NM_000448.3(RAG1):c.440G>C (p.Arg147Thr)

Gene: RAG1 (recombination activating 1; plus strand). Cytogenetic location: 11p12.
Variant type: single nucleotide variant.
Coding change: c.440G>C on transcript NM_000448.3 (MANE Select); coding-DNA position 440, G replaced by C.
Protein change: p.Arg147Thr; replaces arginine 147 with threonine.
Molecular consequence: missense variant.
Genome position (GRCh38, 1-based): chr11:36,573,744, G>C. VCF-style: chr11-36573744-G-C. GRCh37 (hg19) VCF-style: chr11-36595294-G-C.
Other names: c.440G>C, p.Arg147Thr (NM_001377277.1, NM_001377278.1, NM_001377279.1 and 1 more transcripts); short protein forms R147T.
Identifiers: ClinVar variation 1524922 (VCV001524922.3), dbSNP rs2133293492, ClinGen allele CA380146554.

ClinVar aggregate classification (germline): Uncertain significance (1 of 4 stars; one submission).

Conditions:
Severe combined immunodeficiency, autosomal recessive, T cell-negative, B cell-negative, NK cell-positive. Also called: SCID, T CELL-NEGATIVE, B CELL-NEGATIVE, NK CELL-POSITIVE; SCID, AR, T-cell negative, B-cell negative, NK cell-positive; Severe combined immunodeficiency due to complete RAG1/2 deficiency. Identifiers: Orphanet 331206, MedGen C1832322, MONDO:0011086, OMIM 601457.
Combined immunodeficiency with skin granulomas. Identifiers: Orphanet 157949, MedGen C2673536, MONDO:0009306, OMIM 233650.

Submission:

Labcorp Genetics (formerly Invitae), Labcorp
Classification: Uncertain significance for Combined immunodeficiency with skin granulomas; Severe combined immunodeficiency, autosomal recessive, T cell-negative, B cell-negative, NK cell-positive. Last evaluated: 2021-10-20. Review status: criteria provided, single submitter. Criteria: Invitae Variant Classification Sherloc (09022015). Collection method: clinical testing. Allele origin: germline.
Comment: This sequence change replaces arginine with threonine at codon 147 of the RAG1 protein (p.Arg147Thr). The arginine residue is moderately conserved and there is a moderate physicochemical difference between arginine and threonine. This variant is not present in population databases (ExAC no frequency). This variant has not been reported in the literature in individuals affected with RAG1-related conditions. Advanced modeling of protein sequence and biophysical properties (such as structural, functional, and spatial information, amino acid conservation, physicochemical variation, residue mobility, and thermodynamic stability) performed at Invitae indicates that this missense variant is not expected to disrupt RAG1 protein function. In summary, the available evidence is currently insufficient to determine the role of this variant in disease. Therefore, it has been classified as a Variant of Uncertain Significance.